The following is an entry in ClinVar:

ClinVar aggregate classification (germline): Likely benign (1 of 4 stars; one submission).

Allele frequency attached by ClinVar (database versions not stated): ExAC 0.00002; TOPMed 0.00002; gnomAD exomes 0.00004.
gnomAD v4.1: 51 of 1,614,032 alleles (0.0032%); highest among the groups gnomAD compares: Non-Finnish European, 0.0038%; no homozygotes.

Submission:

CeGaT Center for Human Genetics Tuebingen
Classification: Likely benign. Last evaluated: 2022-10-01. Review status: criteria provided, single submitter. Criteria: CeGaT Center For Human Genetics Tuebingen Variant Classification Criteria Version 2. Collection method: clinical testing. Allele origin: germline. Affected: yes. Observed: 1 variant allele.
Comment: CRYGB: BP4, BP7

NM_005210.4(CRYGB):c.144C>T (p.Arg48=)

Genes: CRYGB (crystallin gamma B; minus strand), LOC100507443 (uncharacterized LOC100507443; plus strand). Cytogenetic location: 2q33.3.
Variant type: single nucleotide variant.
Coding change: c.144C>T on transcript NM_005210.4 (MANE Select); coding-DNA position 144, C replaced by T.
Protein change: p.Arg48=; no amino-acid change (arginine 48 retained).
Molecular consequence: synonymous variant.
Genome position (GRCh38, 1-based): chr2:208,145,882, G>A on the plus strand (C>T on the coding strand, the complement: CRYGB is on the minus strand). VCF-style: chr2-208145882-G-A. GRCh37 (hg19) VCF-style: chr2-209010606-G-A.
Identifiers: ClinVar variation 2651849 (VCV002651849.24), dbSNP rs201219362, ClinGen allele CA2078144.